The following is an entry in ClinVar:

NM_002386.4(MC1R):c.699G>A (p.Gln233=)

Gene: MC1R (melanocortin 1 receptor; plus strand). Cytogenetic location: 16q24.3.
Variant type: single nucleotide variant.
Coding change: c.699G>A on transcript NM_002386.4 (MANE Select); coding-DNA position 699, G replaced by A.
Protein change: p.Gln233=; no amino-acid change (glutamine 233 retained).
Molecular consequence: synonymous variant.
Genome position (GRCh38, 1-based): chr16:89,919,957, G>A. VCF-style: chr16-89919957-G-A. GRCh37 (hg19) VCF-style: chr16-89986365-G-A.
Identifiers: ClinVar variation 239161 (VCV000239161.18), dbSNP rs146544450, ClinGen allele CA8255716.
Genomic context (GRCh38, chr16:89,919,957, plus strand): 5'-GGCCTGCCAGCACGCCCAGGGCATCGCCCGGCTCCACAAGAGGCAGCGCCCGGTCCACCA[G>A]GGCTTTGGCCTTAAAGGCGCTGTCACCCTCACCATCCTGCTGGGCATTTTCTTCCTCTGC-3'
Protein context (NP_002377.4, residues 223-243): RLHKRQRPVH[Gln233=]GFGLKGAVTL

ClinVar aggregate classification (germline): Benign/Likely benign. Review status: criteria provided, multiple submitters, no conflicts (2 of 4 stars). 5 submissions from 5 submitters: Benign (4); Likely benign (1). Last evaluated 2026-01-25.

Conditions:
Melanoma, cutaneous malignant, susceptibility to, 5. Also called: Cutaneous malignant melanoma 5. Identifiers: Orphanet 618, MedGen C2751295, MONDO:0013133, OMIM 613099.

Allele frequency attached by ClinVar (database versions not stated): ESP Exome Variant Server 0.00176; gnomAD 0.00218 and 0.00266; TOPMed 0.00222; gnomAD exomes 0.00348 and 0.00451; ExAC 0.00489; 1000 Genomes Project 30x 0.00547; 1000 Genomes Project 0.00599.

Submissions (5):

Labcorp Genetics (formerly Invitae), Labcorp
Classification: Benign for Melanoma, cutaneous malignant, susceptibility to, 5. Last evaluated: 2026-01-25. Review status: criteria provided, single submitter. Criteria: Invitae Variant Classification Sherloc (09022015). Collection method: clinical testing. Allele origin: germline.

ARUP Laboratories, Molecular Genetics and Genomics, ARUP Laboratories
Classification: Benign. Last evaluated: 2024-12-31. Review status: criteria provided, single submitter. Criteria: ARUP Molecular Germline Variant Investigation Process 2024. Collection method: clinical testing. Allele origin: germline.

Ambry Genetics
Classification: Likely benign. Last evaluated: 2024-10-02. Review status: criteria provided, single submitter. Criteria: Ambry Variant Classification Scheme 2023. Collection method: clinical testing. Allele origin: germline.

Illumina Laboratory Services, Illumina
Classification: Benign for Melanoma, cutaneous malignant, susceptibility to, 5. Last evaluated: 2018-01-13. Review status: criteria provided, single submitter. Criteria: ICSL Variant Classification Criteria 13 December 2019. Collection method: clinical testing. Allele origin: germline.
Comment: This variant was observed in the ICSL laboratory as part of a predisposition screen in an ostensibly healthy population. It had not been previously curated by ICSL or reported in the Human Gene Mutation Database (HGMD: prior to June 1st, 2018), and was therefore a candidate for classification through an automated scoring system. Utilizing variant allele frequency, disease prevalence and penetrance estimates, and inheritance mode, an automated score was calculated to assess if this variant is too frequent to cause the disease. Based on the score and internal cut-off values, a variant classified as benign is not then subjected to further curation. The score for this variant resulted in a classification of benign for this disease.

Breakthrough Genomics
Classification: Benign. Review status: criteria provided, single submitter. Criteria: ACMG Guidelines, 2015. Collection method: not provided. Allele origin: germline. Inheritance: Autosomal recessive inheritance. Affected: yes.